The following is an entry in ClinVar:

Conditions:
Long QT syndrome 5 (LQT5). Identifiers: Orphanet 101016, Orphanet 768, MedGen C1867904, MONDO:0013372, OMIM 613695.

Submission:

Roden Lab, Vanderbilt University Medical Center
No classification provided (evidence only). Condition: Long QT syndrome 5. Review status: no classification provided. Collection method: in vitro. Allele origin: not applicable. Functional consequence: Effect on ion channel function.
ClinVar note: "not provided" was previously submitted as the classification for the variant. However, the classification appeared to be based only on an observation of functional data so it was converted to no classification on 2025-07-30.

NM_000219.6(KCNE1):c.64C>G (p.Gln22Glu)

Gene: KCNE1 (potassium voltage-gated channel subfamily E regulatory subunit 1; minus strand). Cytogenetic location: 21q22.12.
Variant type: single nucleotide variant.
Coding change: c.64C>G on transcript NM_000219.6 (MANE Select); coding-DNA position 64, C replaced by G.
Protein change: p.Gln22Glu; replaces glutamine 22 with glutamic acid.
Molecular consequence: missense variant.
Genome position (GRCh38, 1-based): chr21:34,449,571, G>C on the plus strand (C>G on the coding strand, the complement: KCNE1 is on the minus strand). VCF-style: chr21-34449571-G-C. GRCh37 (hg19) VCF-style: chr21-35821869-G-C.
Other names: c.64C>G, p.Gln22Glu (NM_001127668.4, NM_001127669.4, NM_001127670.4 and 4 more transcripts); short protein forms Q22E.
Identifiers: ClinVar variation 3373948 (VCV003373948.2).
Genomic context (GRCh38, chr21:34,449,571, plus strand): 5'-GCTTGCCGTCACTGCTGCGGGGGGACCTGCGGGCCAGGCCCGACATGTTGCCACCCTGCT[G>C]AACTGTCTCCTGCCACAGCTTGGTCAGAAAGGGCGTCACCGCTGTGGTGTTAGACAGGAT-3'
Protein context (NP_000210.2, residues 12-32): FLTKLWQETV[Gln22Glu]QGGNMSGLAR